The following is an entry in ClinVar:

ClinVar aggregate classification (germline): Uncertain significance (1 of 4 stars; one submission).

Conditions:
Cardiovascular phenotype. Identifiers: MedGen CN230736.

Allele frequency attached by ClinVar (database versions not stated): gnomAD exomes below 0.00001; TOPMed 0.00001; gnomAD 0.00002.
gnomAD v4.1: 9 of 1,612,938 alleles (0.00056%); highest among the groups gnomAD compares: East Asian, 0.018%; no homozygotes.

Submission:

Ambry Genetics
Classification: Uncertain significance for Cardiovascular phenotype. Last evaluated: 2018-07-24. Review status: criteria provided, single submitter. Criteria: Ambry Variant Classification Scheme 2023. Collection method: clinical testing. Allele origin: germline.
Comment: The p.E13952A variant (also known as c.41855A>C), located in coding exon 151 of the TTN gene, results from an A to C substitution at nucleotide position 41855. The glutamic acid at codon 13952 is replaced by alanine, an amino acid with dissimilar properties. Based on data from gnomAD, the C allele has an overall frequency of approximately 0.0018% (5/276184) total alleles studied. The highest observed frequency was 0.027% (5/18648) of East Asian alleles. This amino acid position is highly conserved in available vertebrate species. In addition, this alteration is predicted to be tolerated by in silico analysis. Since supporting evidence is limited at this time, the clinical significance of this alteration remains unclear.

NM_001267550.2(TTN):c.69050A>C (p.Glu23017Ala)

Genes: TTN (titin; minus strand), TTN-AS1 (TTN antisense RNA 1; plus strand). Cytogenetic location: 2q31.2.
Variant type: single nucleotide variant.
Coding change: c.69050A>C on transcript NM_001267550.2 (MANE Select); coding-DNA position 69050, A replaced by C.
Protein change: p.Glu23017Ala; replaces glutamic acid 23017 with alanine.
Molecular consequence: missense variant.
Genome position (GRCh38, 1-based): chr2:178,577,285, T>G on the plus strand (A>C on the coding strand, the complement: TTN is on the minus strand). VCF-style: chr2-178577285-T-G. GRCh37 (hg19) VCF-style: chr2-179442012-T-G.
Other names: c.64127A>C, p.Glu21376Ala (NM_001256850.1); c.41855A>C, p.Glu13952Ala (NM_003319.4); c.61346A>C, p.Glu20449Ala (NM_133378.4); c.42230A>C, p.Glu14077Ala (NM_133432.3); c.42431A>C, p.Glu14144Ala (NM_133437.4); short protein forms E21376A, E23017A, E13952A, E14077A, E14144A, E20449A.
Identifiers: ClinVar variation 1738526 (VCV001738526.2), dbSNP rs1393720998, ClinGen allele CA349670308.